The following is an entry in ClinVar:

NM_153240.5(NPHP3):c.289G>A (p.Glu97Lys)

Genes: NPHP3 (nephrocystin 3; minus strand), NPHP3-ACAD11 (NPHP3-ACAD11 readthrough (NMD candidate); minus strand), NPHP3-AS1 (NPHP3 antisense RNA 1; plus strand), LOC129937586 (ATAC-STARR-seq lymphoblastoid silent region 14743; plus strand). Cytogenetic location: 3q22.1.
Variant type: single nucleotide variant.
Coding change: c.289G>A on transcript NM_153240.5 (MANE Select); coding-DNA position 289, G replaced by A.
Protein change: p.Glu97Lys; replaces glutamic acid 97 with lysine.
Molecular consequence: missense variant. On other transcripts: non-coding transcript variant (3).
Genome position (GRCh38, 1-based): chr3:132,722,067, C>T on the plus strand (G>A on the coding strand, the complement: NPHP3 is on the minus strand). VCF-style: chr3-132722067-C-T. GRCh37 (hg19) VCF-style: chr3-132440911-C-T.
Other names: short protein forms E97K.
Identifiers: ClinVar variation 1019621 (VCV001019621.9), dbSNP rs1188761499, ClinGen allele CA354589080.

ClinVar aggregate classification (germline): Uncertain significance (1 of 4 stars; one submission).

Conditions:
Nephronophthisis. Also called: Juvenile Nephronophthisis. Identifiers: Orphanet 655, MedGen C0687120, MONDO:0019005, HP:0000090.

Allele frequency attached by ClinVar (database versions not stated): gnomAD 0.00001; TOPMed 0.00001.

Submission:

Labcorp Genetics (formerly Invitae), Labcorp
Classification: Uncertain significance for Nephronophthisis. Last evaluated: 2022-08-09. Review status: criteria provided, single submitter. Criteria: Invitae Variant Classification Sherloc (09022015). Collection method: clinical testing. Allele origin: germline.
Comment: In summary, the available evidence is currently insufficient to determine the role of this variant in disease. Therefore, it has been classified as a Variant of Uncertain Significance. ClinVar contains an entry for this variant (Variation ID: 1019621). Algorithms developed to predict the effect of missense changes on protein structure and function are either unavailable or do not agree on the potential impact of this missense change (SIFT: "Deleterious"; PolyPhen-2: "Possibly Damaging"; Align-GVGD: "Class C0"). This variant has not been reported in the literature in individuals affected with NPHP3-related conditions. This variant is not present in population databases (gnomAD no frequency). This sequence change replaces glutamic acid, which is acidic and polar, with lysine, which is basic and polar, at codon 97 of the NPHP3 protein (p.Glu97Lys).